The following is an entry in ClinVar:

NM_018082.6(POLR3B):c.1230G>C (p.Gln410His)

Gene: POLR3B (RNA polymerase III subunit B; plus strand). Cytogenetic location: 12q23.3.
Variant type: single nucleotide variant.
Coding change: c.1230G>C on transcript NM_018082.6 (MANE Select); coding-DNA position 1230, G replaced by C.
Protein change: p.Gln410His; replaces glutamine 410 with histidine.
Molecular consequence: missense variant.
Genome position (GRCh38, 1-based): chr12:106,427,325, G>C. VCF-style: chr12-106427325-G-C. GRCh37 (hg19) VCF-style: chr12-106821103-G-C.
Other names: c.1056G>C, p.Gln352His (NM_001160708.2); short protein forms Q352H, Q410H.
Identifiers: ClinVar variation 2575687 (VCV002575687.2), dbSNP rs375986407, ClinGen allele CA6761894.

ClinVar aggregate classification (germline): Uncertain significance. Review status: criteria provided, multiple submitters, no conflicts (2 of 4 stars). 2 submissions from 2 submitters: Uncertain significance (2). Last evaluated 2025-05-20.

Allele frequency attached by ClinVar (database versions not stated): ExAC 0.00002; gnomAD 0.00002; TOPMed 0.00002; ESP Exome Variant Server 0.00008.
gnomAD v4.1: 54 of 1,613,566 alleles (0.0033%); highest among the groups gnomAD compares: Non-Finnish European, 0.0044%; no homozygotes.

Submissions (2):

Women's Health and Genetics/Laboratory Corporation of America, LabCorp
Classification: Uncertain significance. Last evaluated: 2025-05-20. Review status: criteria provided, single submitter. Criteria: LabCorp Variant Classification Summary - May 2015. Collection method: clinical testing. Allele origin: germline.
Comment: Variant summary: POLR3B c.1230G>C (p.Gln410His) results in a non-conservative amino acid change in the encoded protein sequence. Algorithms developed to predict the effect of missense changes on protein structure and function are either unavailable or do not agree on the potential impact of this missense change. The variant allele was found at a frequency of 1.2e-05 in 251060 control chromosomes. The available data on variant occurrences in the general population are insufficient to allow any conclusion about variant significance. To our knowledge, no occurrence of c.1230G>C in individuals affected with POLR3-Related Leukodystrophy and no experimental evidence demonstrating its impact on protein function have been reported. ClinVar contains an entry for this variant (Variation ID: 2575687). Based on the evidence outlined above, the variant was classified as uncertain significance.

GeneDx
Classification: Uncertain significance. Last evaluated: 2023-02-08. Review status: criteria provided, single submitter. Criteria: GeneDx Variant Classification Process June 2021. Collection method: clinical testing. Allele origin: germline. Affected: yes.
Comment: Not observed at significant frequency in large population cohorts (gnomAD); In silico analysis supports that this missense variant does not alter protein structure/function; Has not been previously published as pathogenic or benign to our knowledge